The following is an entry in ClinVar:

NM_012470.4(TNPO3):c.2534T>G (p.Leu845Arg)

Gene: TNPO3 (transportin 3; minus strand). Cytogenetic location: 7q32.1.
Variant type: single nucleotide variant.
Coding change: c.2534T>G on transcript NM_012470.4 (MANE Select); coding-DNA position 2534, T replaced by G.
Protein change: p.Leu845Arg; replaces leucine 845 with arginine.
Molecular consequence: missense variant. On other transcripts: non-coding transcript variant (18).
Genome position (GRCh38, 1-based): chr7:128,970,212, A>C on the plus strand (T>G on the coding strand, the complement: TNPO3 is on the minus strand). VCF-style: chr7-128970212-A-C. GRCh37 (hg19) VCF-style: chr7-128610266-A-C.
Other names: c.2342T>G, p.Leu781Arg (NM_001191028.3, NM_001382223.1); c.2636T>G, p.Leu879Arg (NM_001382216.1); c.2615T>G, p.Leu872Arg (NM_001382217.1); c.2534T>G, p.Leu845Arg (NM_001382218.1); c.2426T>G, p.Leu809Arg (NM_001382219.1); c.2393T>G, p.Leu798Arg (NM_001382220.1); c.2390T>G, p.Leu797Arg (NM_001382221.1); c.2387T>G, p.Leu796Arg (NM_001382222.1); short protein forms L781R, L796R, L797R, L872R, L879R, L798R, L809R, L845R.
Identifiers: ClinVar variation 1372554 (VCV001372554.6), dbSNP rs1225457720, ClinGen allele CA369251978.

ClinVar aggregate classification (germline): Uncertain significance (1 of 4 stars; one submission).

Conditions:
Autosomal dominant limb-girdle muscular dystrophy type 1F (LGMDD2). Also called: Limb-girdle muscular dystrophy, type 1F; MUSCULAR DYSTROPHY, LIMB-GIRDLE, AUTOSOMAL DOMINANT 2. Identifiers: Orphanet 55595, MedGen C1842062, MONDO:0012034, OMIM 608423.

Submission:

Labcorp Genetics (formerly Invitae), Labcorp
Classification: Uncertain significance for Autosomal dominant limb-girdle muscular dystrophy type 1F. Last evaluated: 2021-08-05. Review status: criteria provided, single submitter. Criteria: Invitae Variant Classification Sherloc (09022015). Collection method: clinical testing. Allele origin: germline.
Comment: This sequence change replaces leucine with arginine at codon 845 of the TNPO3 protein (p.Leu845Arg). The leucine residue is highly conserved and there is a moderate physicochemical difference between leucine and arginine. This variant is not present in population databases (ExAC no frequency). This variant has not been reported in the literature in individuals affected with TNPO3-related conditions. Algorithms developed to predict the effect of missense changes on protein structure and function are either unavailable or do not agree on the potential impact of this missense change (SIFT: "Tolerated"; PolyPhen-2: "Probably Damaging"; Align-GVGD: "Class C0"). In summary, the available evidence is currently insufficient to determine the role of this variant in disease. Therefore, it has been classified as a Variant of Uncertain Significance.